The following is an entry in ClinVar:

ClinVar aggregate classification (germline): Uncertain significance (1 of 4 stars; one submission).

gnomAD v4.1: 3 of 1,551,922 alleles (0.00019%); highest among the groups gnomAD compares: Non-Finnish European, 0.00026%; no homozygotes.

Submission:

Labcorp Genetics (formerly Invitae), Labcorp
Classification: Uncertain significance. Last evaluated: 2024-11-06. Review status: criteria provided, single submitter. Criteria: Invitae Variant Classification Sherloc (09022015). Collection method: clinical testing. Allele origin: germline.
Comment: This sequence change replaces asparagine, which is neutral and polar, with serine, which is neutral and polar, at codon 2403 of the CHD8 protein (p.Asn2403Ser). This variant is not present in population databases (gnomAD no frequency). This variant has not been reported in the literature in individuals affected with CHD8-related conditions. Invitae Evidence Modeling of protein sequence and biophysical properties (such as structural, functional, and spatial information, amino acid conservation, physicochemical variation, residue mobility, and thermodynamic stability) indicates that this missense variant is not expected to disrupt CHD8 protein function with a negative predictive value of 95%. In summary, the available evidence is currently insufficient to determine the role of this variant in disease. Therefore, it has been classified as a Variant of Uncertain Significance.

NM_001170629.2(CHD8):c.7208A>G (p.Asn2403Ser)

Gene: CHD8 (chromodomain helicase DNA binding protein 8; minus strand). Cytogenetic location: 14q11.2.
Variant type: single nucleotide variant.
Coding change: c.7208A>G on transcript NM_001170629.2 (MANE Select); coding-DNA position 7208, A replaced by G.
Protein change: p.Asn2403Ser; replaces asparagine 2403 with serine.
Molecular consequence: missense variant.
Genome position (GRCh38, 1-based): chr14:21,386,151, T>C on the plus strand (A>G on the coding strand, the complement: CHD8 is on the minus strand). VCF-style: chr14-21386151-T-C. GRCh37 (hg19) VCF-style: chr14-21854310-T-C.
Other names: c.6371A>G, p.Asn2124Ser (NM_020920.4); short protein forms N2403S, N2124S.
Identifiers: ClinVar variation 3672513 (VCV003672513.2).